The following is an entry in ClinVar:

ClinVar aggregate classification (germline): Pathogenic/Likely pathogenic. Review status: criteria provided, multiple submitters, no conflicts (2 of 4 stars). 24 submissions from 23 submitters: Pathogenic (16); Likely pathogenic (2). 6 of the submissions do not count toward it. Last evaluated 2026-06-23.

Conditions:
GJB2-related disorder. Also called: GJB2-related condition; GJB2-related disorders. Identifiers: MedGen CN382183, MONDO:1060236.
Rare genetic deafness. Identifiers: Orphanet 96210, MedGen C5680250.
Monogenic hearing loss.
Hearing loss. Identifiers: MedGen C3887873.
Nonsyndromic genetic hearing loss. Also called: Nonsyndromic hearing loss and deafness; Non-syndromic genetic deafness; Nonsyndromic genetic deafness. Identifiers: Orphanet 87884, MedGen C5680182, MONDO:0019497.
Autosomal dominant nonsyndromic hearing loss 3A. Identifiers: Orphanet 90635, MedGen C2675750, MONDO:0011103, OMIM 601544.
Autosomal recessive nonsyndromic hearing loss 1A (DFNB1A). Also called: Deafness, autosomal recessive 1A; GJB2-Related Autosomal Recessive Nonsyndromic Hearing Loss; Connexin 26 deafness; Deafness nonsyndromic, Connexin 26 linked; Nonsyndromic Hearing Loss and Deafness, DFNB1; GJB6-Related DFNB 1 Nonsyndromic Hearing Loss and Deafness. Identifiers: Orphanet 90636, MedGen C2673759, MONDO:0009076, OMIM 220290.
Hearing impairment. Also called: Impaired Hearing. Identifiers: MedGen C1384666, MONDO:0005365, HP:0000365.

Submissions 1 to 9 of 24:

Genetics Laboratory, Great Ormond Street Hospital NHS Foundation Trust, North Thames Genomic Laboratory Hub
Classification: Likely pathogenic for Monogenic hearing loss. Last evaluated: 2026-06-23. Review status: criteria provided, single submitter. Criteria: ACGS Best Practice Guidelines for Variant Classification in Rare Disease 2024 v1.2. Collection method: clinical testing. Allele origin: germline. Affected: yes.
Comment: PS4_moderate, PM2_moderate, PP3_supporting, PS3_moderate, PS2_moderate

Variantyx, Inc.
Classification: Likely pathogenic for Autosomal dominant nonsyndromic hearing loss 3A. Last evaluated: 2025-09-01. Review status: criteria provided, single submitter. Criteria: Variantyx Assertion Criteria 2022. Collection method: clinical testing. Allele origin: de novo. Inheritance: Autosomal dominant inheritance. Affected: yes.
Comment: This is a nonsynonymous variant in the GJB2 gene (OMIM: 121011). Pathogenic variants in this gene have been associated with autosomal dominant hearing loss 3A. This variant has been reported in at least five affected individuals (PMID: 11439000, 12111646, 24945352, 31827275) (PS4) adn likely occurred de novo in individuals reported in the published literature, however, the possibility of parental germline mosaicism cannot be excluded (PMID: 21868108) (PS2_Moderate). Functional studies have shown that this variant alters GJB2 protein function (PMID: 20096356, 20442751) (PS3_Moderate), and multiple computational algorithms predict a deleterious effect for this variant (REVEL score: 0.937) (PP3). Moreover, an alternate amino acid change at this position (p.Arg184Trp) has been previously reported in similarly affected individuals, which suggests that this residue is biologically important (PMID: 35301649, 31992338,32455934) (PM5). This variant is absent from control populations (PM2). Based on the current evidence, this variant is classified as likely pathogenic for autosomal dominant hearing loss 3A.

Genetics Laboratory, UDIAT-Centre Diagnòstic, Hospital Universitari Parc Tauli
Classification: Pathogenic for autosomal dominant nonsyndromic hearing loss 3A. Last evaluated: 2025-04-08. Review status: criteria provided, single submitter. Criteria: ACMG Guidelines, 2015. Collection method: clinical testing. Allele origin: unknown. Inheritance: Autosomal dominant inheritance. Affected: yes.
Comment: PS3_strong;PS4_strong;PM2_supporting;PP3_supporting

Victorian Clinical Genetics Services, Murdoch Childrens Research Institute
Classification: Pathogenic for Autosomal dominant nonsyndromic hearing loss 3A. Last evaluated: 2025-03-05. Review status: criteria provided, single submitter. Criteria: ACMG Guidelines, 2015. Collection method: clinical testing. Allele origin: germline. Affected: yes.
Comment: This variant is classified as Pathogenic. Evidence in support of pathogenic classification: Variant is absent from gnomAD (v2, v3 and v4); This variant has very strong previous evidence of pathogenicity in unrelated individuals. This is a well-known pathogenic variant associated with autosomal dominant non-syndromic hearing loss (ClinVar, Deafness Variation database, PMIDs: 35301649, 38486023). However, it has been reported in at least one individual with hearing loss and palmoplantar keratoderma (PMID: 24945352); Missense variant predicted to be damaging by in silico tool(s) and highly conserved with a minor amino acid change. Additional information: Variant is predicted to result in a missense amino acid change from arginine to glutamine; This variant is heterozygous; This gene is associated with both recessive and dominant disease. The autosomal dominant diseases are commonly associated with pathogenic missense variants. The autosomal recessive disease is associated with bi-allelic loss-of-function variants and includes missense and protein truncating variants (NIH Genetics Home Reference, PMID: 12792423); Multiple alternative amino acid changes at the same position are present in gnomAD (Highest alelle count: v4: 51 heterozygotes, 0 homozygotes); Variant is located in the annotated Connexin domain (DECIPHER); Loss of function is a known mechanism of disease in this gene and is associated with both deafness and skin conditions (OMIM). Dominant negative is also a suggested mechanism (PMID: 28428247); The condition associated with this gene has incomplete penetrance (PMID: 31160754); Variants in this gene are known to have variable expressivity. Severity can range from mild to profound with intrafamilial variability also commonly seen. Commonly, truncating variants are associated with a more severe hearing loss (PMID: 20301449); Inheritance information for this variant is not currently available in this individual.

North West Genomic Laboratory Hub, Manchester University NHS Foundation Trust
Classification: Pathogenic for Monogenic hearing loss. Last evaluated: 2025-02-20. Review status: criteria provided, single submitter. Criteria: ACGS Best Practice Guidelines for Variant Classification in Rare Disease 2024. Collection method: clinical testing. Allele origin: germline. Affected: yes.
Comment: PS3_Mod PM2_Mod PS2_Mod PS4_Mod PP1_Mod

Labcorp Genetics (formerly Invitae), Labcorp
Classification: Pathogenic. Last evaluated: 2025-02-16. Review status: criteria provided, single submitter. Criteria: Invitae Variant Classification Sherloc (09022015). Collection method: clinical testing. Allele origin: germline.
Comment: This sequence change replaces arginine, which is basic and polar, with glutamine, which is neutral and polar, at codon 184 of the GJB2 protein (p.Arg184Gln). This variant is not present in population databases (gnomAD no frequency). This missense change has been observed in individual(s) with autosomal dominant non-syndromic deafness (PMID: 11439000, 35301649). It has also been observed to segregate with disease in related individuals. ClinVar contains an entry for this variant (Variation ID: 29662). Invitae Evidence Modeling of protein sequence and biophysical properties (such as structural, functional, and spatial information, amino acid conservation, physicochemical variation, residue mobility, and thermodynamic stability) indicates that this missense variant is expected to disrupt GJB2 protein function with a positive predictive value of 95%. For these reasons, this variant has been classified as Pathogenic.

GeneDx
Classification: Pathogenic. Last evaluated: 2023-09-07. Review status: criteria provided, single submitter. Criteria: GeneDx Variant Classification Process June 2021. Collection method: clinical testing. Allele origin: germline. Affected: yes.
Comment: Published functional studies demonstrate a dominant negative effect of the resulting connexin-26 protein on the wild-type connexin 26 and connexin 30 proteins (Yum et al., 2010; Zhang et al., 2011); Not observed in large population cohorts (gnomAD); In silico analysis supports that this missense variant has a deleterious effect on protein structure/function; This variant is associated with the following publications: (PMID: 29921236, 20442751, 21868108, 21040787, 20096356, 25388846, 20937258, 12111646, 11439000, 31827275, 32645618, 34599368, 24945352)

Integrating Genomics into Medicine, Frazer Institute, University Of Queensland
Classification: Pathogenic for Autosomal recessive nonsyndromic hearing loss 1A. Last evaluated: 2023-06-02. Review status: criteria provided, single submitter. Criteria: ACMG Guidelines, 2015. Collection method: clinical testing. Allele origin: germline. Affected: yes.

Women's Health and Genetics/Laboratory Corporation of America, LabCorp
Classification: Pathogenic for Nonsyndromic genetic hearing loss. Last evaluated: 2022-08-24. Review status: criteria provided, single submitter. Criteria: LabCorp Variant Classification Summary - May 2015. Collection method: clinical testing. Allele origin: germline.
Comment: Variant summary: GJB2 c.551G>A (p.Arg184Gln) results in a conservative amino acid change located in the Connexin, N-terminal domain (IPR013092) of the encoded protein sequence. Four of five in-silico tools predict a damaging effect of the variant on protein function. The variant was absent in 254160 control chromosomes (gnomAD). c.551G>A has been reported in the literature in multiple individuals affected with Autosomal Dominant Non-Syndromic Hearing Loss and the variant segregated with the disease (examples: Hamelmann_2001, Hwa_2003, Putcha_2007, Su_2010 and delaLuzArenas-Sordo_2012). The variant has also been identified in multiple individuals as a de novo occurrence (examples: Huang_2011 and Mahdieh_2010). These data indicate that the variant is very likely to be associated with disease. Experimental evidence evaluating an impact on protein function showed a dominant negative effect on both connexin 26 and connexin 30 (example: Su 2010). Nine submitters have provided clinical-significance assessments for this variant to ClinVar after 2014 and all laboratories classified the variant as pathogenic (n=8) and likely pathogenic(n=1). Based on the evidence outlined above, the variant was classified as pathogenic.

NM_004004.6(GJB2):c.551G>A (p.Arg184Gln)

Gene: GJB2 (gap junction protein beta 2; minus strand). Cytogenetic location: 13q12.11.
Variant type: single nucleotide variant.
Coding change: c.551G>A on transcript NM_004004.6 (MANE Select); coding-DNA position 551, G replaced by A.
Protein change: p.Arg184Gln; replaces arginine 184 with glutamine.
Molecular consequence: missense variant.
Genome position (GRCh38, 1-based): chr13:20,189,031, C>T on the plus strand (G>A on the coding strand, the complement: GJB2 is on the minus strand). VCF-style: chr13-20189031-C-T. GRCh37 (hg19) VCF-style: chr13-20763170-C-T.
Other names: short protein forms R184Q.
Identifiers: ClinVar variation 29662 (VCV000029662.41), dbSNP rs80338950, ClinGen allele CA172235.